The following is an entry in ClinVar:

NM_004839.4(HOMER2):c.543G>C (p.Glu181Asp)

Gene: HOMER2 (homer scaffold protein 2; minus strand). Cytogenetic location: 15q25.2.
Variant type: single nucleotide variant.
Coding change: c.543G>C on transcript NM_004839.4 (MANE Select); coding-DNA position 543, G replaced by C.
Protein change: p.Glu181Asp; replaces glutamic acid 181 with aspartic acid.
Molecular consequence: missense variant.
Genome position (GRCh38, 1-based): chr15:82,854,752, C>G on the plus strand (G>C on the coding strand, the complement: HOMER2 is on the minus strand). VCF-style: chr15-82854752-C-G. GRCh37 (hg19) VCF-style: chr15-83523504-C-G.
Other names: c.576G>C (NM_199330.2); c.576G>C, p.Glu192Asp (NM_199330.3); short protein forms E181D, E192D.
Identifiers: ClinVar variation 3375056 (VCV003375056.2).
Genomic context (GRCh38, chr15:82,854,752, plus strand): 5'-CTTCCACTGCTCCACACTGGCTGCCGACTCCTGCAGTGCTGTGGTCAGCCGTGCATTGCT[C>G]TCCCGAAGGGTCTGCAGCTCGATCTCCCACTTCTTCACGTTGGCTGCGCTGCAGGACAGG-3'
Protein context (NP_004830.2, residues 171-191): KWEIELQTLR[Glu181Asp]SNARLTTALQ

ClinVar aggregate classification (germline): Conflicting classifications of pathogenicity. Review status: criteria provided, conflicting classifications (1 of 4 stars). 2 submissions from 2 submitters: Uncertain significance (1); Likely benign (1). Last evaluated 2025-06-25.

Conditions:
Inborn genetic diseases. Identifiers: MedGen C0950123, MeSH D030342.

gnomAD v4.1: 118 of 1,612,016 alleles (0.0073%); highest among the groups gnomAD compares: Admixed American, 0.2%; no homozygotes.

Submissions (2):

Ambry Genetics
Classification: Uncertain significance for Inborn genetic diseases. Last evaluated: 2025-06-25. Review status: criteria provided, single submitter. Criteria: Ambry Variant Classification Scheme 2023. Collection method: clinical testing. Allele origin: germline.

Women's Health and Genetics/Laboratory Corporation of America, LabCorp
Classification: Likely benign. Last evaluated: 2024-09-04. Review status: criteria provided, single submitter. Criteria: LabCorp Variant Classification Summary - May 2015. Collection method: clinical testing. Allele origin: germline.
Comment: Variant summary: HOMER2 c.543G>C (p.Glu181Asp) results in a conservative amino acid change in the encoded protein sequence. Three of four in-silico tools predict a benign effect of the variant on protein function. The variant allele was found at a frequency of 0.00015 in 247734 control chromosomes, predominantly at a frequency of 0.001 within the Latino subpopulation in the gnomAD database. The observed variant frequency within Latino control individuals in the gnomAD database exceeds the estimated maximal expected allele frequency for a pathogenic variant in HOMER2 causing Autosomal Dominant Nonsyndromic Hearing Loss 68 phenotype. To our knowledge, no occurrence of c.543G>C in individuals affected with Autosomal Dominant Nonsyndromic Hearing Loss 68 and no experimental evidence demonstrating its impact on protein function have been reported. No submitters have cited clinical-significance assessments for this variant to ClinVar. Based on the evidence outlined above, the variant was classified as likely benign.